The following is an entry in ClinVar:

ClinVar aggregate classification (germline): Conflicting classifications of pathogenicity. Review status: criteria provided, conflicting classifications (1 of 4 stars). 6 submissions from 6 submitters: Uncertain significance (5); Benign (1). Last evaluated 2026-06-26.

Conditions:
Hereditary cancer-predisposing syndrome. Also called: Neoplastic Syndromes, Hereditary; Hereditary neoplastic syndrome; Hereditary Cancer Syndrome; Tumor predisposition. Identifiers: Orphanet 140162, MedGen C0027672, MeSH D009386, MONDO:0015356.
Juvenile polyposis syndrome (JPS). Identifiers: Orphanet 2929, MedGen C0345893, MONDO:0017380, OMIM 174900.

Allele frequency attached by ClinVar (database versions not stated): gnomAD exomes below 0.00001; TOPMed 0.00001.
gnomAD v4.1: 5 of 1,613,848 alleles (0.00031%); highest among the groups gnomAD compares: Non-Finnish European, 0.00042%; no homozygotes.

Submissions (6):

Ambry Genetics
Classification: Benign for Hereditary cancer-predisposing syndrome. Last evaluated: 2026-06-26. Review status: criteria provided, single submitter. Criteria: Ambry Variant Classification Scheme 2023. Collection method: clinical testing. Allele origin: germline.

GeneDx
Classification: Uncertain significance. Last evaluated: 2025-08-14. Review status: criteria provided, single submitter. Criteria: GeneDx Variant Classification Process June 2021. Collection method: clinical testing. Allele origin: germline. Affected: yes.
Comment: Not observed at a significant frequency in large population cohorts (gnomAD); In silico analysis supports that this missense variant does not alter protein structure/function; Has not been previously published as pathogenic or benign to our knowledge; This variant is associated with the following publications: (PMID: 25980754)

Labcorp Genetics (formerly Invitae), Labcorp
Classification: Uncertain significance for Juvenile polyposis syndrome. Last evaluated: 2025-08-03. Review status: criteria provided, single submitter. Criteria: Invitae Variant Classification Sherloc (09022015). Collection method: clinical testing. Allele origin: germline.
Comment: This sequence change replaces aspartic acid, which is acidic and polar, with glutamic acid, which is acidic and polar, at codon 38 of the BMPR1A protein (p.Asp38Glu). This variant is present in population databases (no rsID available, gnomAD 0.0009%). This variant has not been reported in the literature in individuals affected with BMPR1A-related conditions. ClinVar contains an entry for this variant (Variation ID: 482856). Invitae Evidence Modeling of protein sequence and biophysical properties (such as structural, functional, and spatial information, amino acid conservation, physicochemical variation, residue mobility, and thermodynamic stability) indicates that this missense variant is not expected to disrupt BMPR1A protein function with a negative predictive value of 95%. In summary, the available evidence is currently insufficient to determine the role of this variant in disease. Therefore, it has been classified as a Variant of Uncertain Significance.

Women's Health and Genetics/Laboratory Corporation of America, LabCorp
Classification: Uncertain significance. Last evaluated: 2025-07-11. Review status: criteria provided, single submitter. Criteria: LabCorp Variant Classification Summary - May 2015. Collection method: clinical testing. Allele origin: germline.

All of Us Research Program, National Institutes of Health
Classification: Uncertain significance for Juvenile polyposis syndrome. Last evaluated: 2024-04-16. Review status: criteria provided, single submitter. Criteria: ACMG Guidelines, 2015. Collection method: clinical testing. Allele origin: germline. Inheritance: Autosomal dominant inheritance. Observed: 3 variant alleles, 3 heterozygotes.
Comment: This missense variant replaces aspartic acid with glutamic acid at codon 38 of the BMPR1A protein. Computational prediction suggests that this variant may not impact protein structure and function (internally defined REVEL score threshold <= 0.5, PMID: 27666373). To our knowledge, functional studies have not been reported for this variant. This variant has not been reported in individuals affected with BMPR1A-related disorders in the literature. This variant has been identified in 1/251380 chromosomes in the general population by the Genome Aggregation Database (gnomAD). The available evidence is insufficient to determine the role of this variant in disease conclusively. Therefore, this variant is classified as a Variant of Uncertain Significance.

This study involves interpretation of variants in research participants for the purpose of population health screening. Participant phenotype was not available at the time of variant classification. Additional details can be found in publication PMID: 35346344, PMCID: PMC8962531

Color Diagnostics, LLC DBA Color Health
Classification: Uncertain significance for Hereditary cancer-predisposing syndrome. Last evaluated: 2024-03-20. Review status: criteria provided, single submitter. Criteria: ACMG Guidelines, 2015. Collection method: clinical testing. Allele origin: germline.
Comment: This missense variant replaces aspartic acid with glutamic acid at codon 38 of the BMPR1A protein. Computational prediction suggests that this variant may not impact protein structure and function (internally defined REVEL score threshold <= 0.5, PMID: 27666373). To our knowledge, functional studies have not been reported for this variant. This variant has not been reported in individuals affected with BMPR1A-related disorders in the literature. This variant has been identified in 1/251380 chromosomes in the general population by the Genome Aggregation Database (gnomAD). The available evidence is insufficient to determine the role of this variant in disease conclusively. Therefore, this variant is classified as a Variant of Uncertain Significance.

Literature cited by the submitters: PubMed 25980754 (cited by Ambry Genetics).

NM_004329.3(BMPR1A):c.114C>G (p.Asp38Glu)

Gene: BMPR1A (bone morphogenetic protein receptor type 1A; plus strand). Cytogenetic location: 10q23.2.
Variant type: single nucleotide variant.
Coding change: c.114C>G on transcript NM_004329.3 (MANE Select); coding-DNA position 114, C replaced by G.
Protein change: p.Asp38Glu; replaces aspartic acid 38 with glutamic acid.
Molecular consequence: missense variant.
Genome position (GRCh38, 1-based): chr10:86,890,108, C>G. VCF-style: chr10-86890108-C-G. GRCh37 (hg19) VCF-style: chr10-88649865-C-G.
Other names: short protein forms D38E.
Identifiers: ClinVar variation 482856 (VCV000482856.27), dbSNP rs1021443408, ClinGen allele CA211182733.